The following is an entry in ClinVar:

NM_033026.6(PCLO):c.7251T>A (p.Pro2417=)

Gene: PCLO (piccolo presynaptic cytomatrix protein; minus strand). Cytogenetic location: 7q21.11.
Variant type: single nucleotide variant.
Coding change: c.7251T>A on transcript NM_033026.6 (MANE Select); coding-DNA position 7251, T replaced by A.
Protein change: p.Pro2417=; no amino-acid change (proline 2417 retained).
Molecular consequence: synonymous variant.
Genome position (GRCh38, 1-based): chr7:82,953,702, A>T on the plus strand (T>A on the coding strand, the complement: PCLO is on the minus strand). VCF-style: chr7-82953702-A-T. GRCh37 (hg19) VCF-style: chr7-82583018-A-T.
Other names: c.7251T>A, p.Pro2417= (NM_014510.3).
Identifiers: ClinVar variation 3037219 (VCV003037219.8), dbSNP rs1297174578, ClinGen allele CA456340291.
Genomic context (GRCh38, chr7:82,953,702, plus strand): 5'-AATAGTTGGTTTAGGTGAAGTTGGTGGAGGAAGTGGTGGGGGAGGAGGGGGTGGTGGTGG[A>T]GGAGGAGGAGGAGGGGGAGGGGGAGGAGGGGGAGGAGGTTGAGCTGATATATCCAAAGAA-3'
Protein context (NP_149015.2, residues 2407-2427): PPPPPPPPPP[Pro2417=]PPPPPPPPPL

ClinVar aggregate classification (germline): Likely benign. Review status: criteria provided, single submitter (1 of 4 stars). 2 submissions from 2 submitters: Likely benign (1). 1 of the submissions does not count toward it. Last evaluated 2025-10-01.

Conditions:
PCLO-related disorder. Also called: PCLO-related condition.

Submissions (2):

CeGaT Center for Human Genetics Tuebingen
Classification: Likely benign. Last evaluated: 2025-10-01. Review status: criteria provided, single submitter. Criteria: CeGaT Center For Human Genetics Tuebingen Variant Classification Criteria Version 2. Collection method: clinical testing. Allele origin: germline. Affected: yes. Observed: 1 variant allele.
Comment: PCLO: BP4, BP7

PreventionGenetics, part of Exact Sciences
Classification: Likely benign for PCLO-related condition. Last evaluated: 2019-06-10. Review status: no assertion criteria provided. Collection method: clinical testing. Allele origin: germline. Not counted in ClinVar's aggregate classification.
Comment: This variant is classified as likely benign based on ACMG/AMP sequence variant interpretation guidelines (Richards et al. 2015 PMID: 25741868, with internal and published modifications).